The following is an entry in ClinVar:

NM_015559.3(SETBP1):c.4556C>T (p.Ala1519Val)

Gene: SETBP1 (SET binding protein 1; plus strand). Cytogenetic location: 18q12.3.
Variant type: single nucleotide variant.
Coding change: c.4556C>T on transcript NM_015559.3 (MANE Select); coding-DNA position 4556, C replaced by T.
Protein change: p.Ala1519Val; replaces alanine 1519 with valine.
Molecular consequence: missense variant.
Genome position (GRCh38, 1-based): chr18:45,063,463, C>T. VCF-style: chr18-45063463-C-T. GRCh37 (hg19) VCF-style: chr18-42643428-C-T.
Other names: c.4556C>T, p.Ala1519Val (NM_001379141.1, NM_001379142.1); c.4385C>T, p.Ala1462Val (NM_001410862.1); short protein forms A1462V, A1519V.
Identifiers: ClinVar variation 2839983 (VCV002839983.3), dbSNP rs1216102483, ClinGen allele CA402483678.

ClinVar aggregate classification (germline): Uncertain significance (1 of 4 stars; one submission).

Submission:

Labcorp Genetics (formerly Invitae), Labcorp
Classification: Uncertain significance. Last evaluated: 2023-02-22. Review status: criteria provided, single submitter. Criteria: Invitae Variant Classification Sherloc (09022015). Collection method: clinical testing. Allele origin: germline.
Comment: This variant is not present in population databases (gnomAD no frequency). This sequence change replaces alanine, which is neutral and non-polar, with valine, which is neutral and non-polar, at codon 1519 of the SETBP1 protein (p.Ala1519Val). This variant has not been reported in the literature in individuals affected with SETBP1-related conditions. Advanced modeling of protein sequence and biophysical properties (such as structural, functional, and spatial information, amino acid conservation, physicochemical variation, residue mobility, and thermodynamic stability) performed at Invitae indicates that this missense variant is not expected to disrupt SETBP1 protein function. In summary, the available evidence is currently insufficient to determine the role of this variant in disease. Therefore, it has been classified as a Variant of Uncertain Significance.